The following is an entry in ClinVar:

ClinVar aggregate classification (germline): Conflicting classifications of pathogenicity. Review status: criteria provided, conflicting classifications (1 of 4 stars). 2 submissions from 2 submitters: Uncertain significance (1); Likely benign (1). Last evaluated 2025-09-08.

Conditions:
Hereditary cancer-predisposing syndrome. Also called: Neoplastic Syndromes, Hereditary; Tumor predisposition; Hereditary Cancer Syndrome; Hereditary neoplastic syndrome. Identifiers: Orphanet 140162, MedGen C0027672, MeSH D009386, MONDO:0015356.

Allele frequency attached by ClinVar (database versions not stated): ExAC 0.00002.
gnomAD v4.1: 4 of 1,613,968 alleles (0.00025%); highest among the groups gnomAD compares: Non-Finnish European, 0.00034%; no homozygotes.

Submissions (2):

Labcorp Genetics (formerly Invitae), Labcorp
Classification: Uncertain significance. Last evaluated: 2025-09-08. Review status: criteria provided, single submitter. Criteria: Invitae Variant Classification Sherloc (09022015). Collection method: clinical testing. Allele origin: germline.
Comment: This sequence change replaces glutamine, which is neutral and polar, with arginine, which is basic and polar, at codon 196 of the POLE protein (p.Gln196Arg). This variant is present in population databases (rs770126315, gnomAD 0.003%). This variant has not been reported in the literature in individuals affected with POLE-related conditions. ClinVar contains an entry for this variant (Variation ID: 473770). Invitae Evidence Modeling of protein sequence and biophysical properties (such as structural, functional, and spatial information, amino acid conservation, physicochemical variation, residue mobility, and thermodynamic stability) indicates that this missense variant is not expected to disrupt POLE protein function with a negative predictive value of 80%. In summary, the available evidence is currently insufficient to determine the role of this variant in disease. Therefore, it has been classified as a Variant of Uncertain Significance.

Ambry Genetics
Classification: Likely benign for Hereditary cancer-predisposing syndrome. Last evaluated: 2025-02-06. Review status: criteria provided, single submitter. Criteria: Ambry Variant Classification Scheme 2023. Collection method: clinical testing. Allele origin: germline.

NM_006231.4(POLE):c.587A>G (p.Gln196Arg)

Gene: POLE (DNA polymerase epsilon, catalytic subunit; minus strand). Cytogenetic location: 12q24.33.
Variant type: single nucleotide variant.
Coding change: c.587A>G on transcript NM_006231.4 (MANE Select); coding-DNA position 587, A replaced by G.
Protein change: p.Gln196Arg; replaces glutamine 196 with arginine.
Molecular consequence: missense variant.
Genome position (GRCh38, 1-based): chr12:132,677,711, T>C on the plus strand (A>G on the coding strand, the complement: POLE is on the minus strand). VCF-style: chr12-132677711-T-C. GRCh37 (hg19) VCF-style: chr12-133254297-T-C.
Other names: short protein forms Q196R.
Identifiers: ClinVar variation 473770 (VCV000473770.14), dbSNP rs770126315, ClinGen allele CA6894259.